The following is an entry in ClinVar:

ClinVar aggregate classification (germline): Pathogenic/Likely pathogenic. Review status: criteria provided, multiple submitters, no conflicts (2 of 4 stars). 5 submissions from 5 submitters: Pathogenic (2); Likely pathogenic (3). Last evaluated 2024-08-27.

Conditions:
Cardiovascular phenotype. Identifiers: MedGen CN230736.
Hereditary hemorrhagic telangiectasia (HHT). Also called: ORW DISEASE; Osler Weber Rendu syndrome; OSLER-RENDU-WEBER DISEASE; Osler hemorrhagic telangiectasia syndrome. Identifiers: Orphanet 774, MedGen C0039445, MONDO:0019180. Disease mechanism: loss of function.
ENG-related disorder. Also called: ENG-related condition; ENG-related disorders.

Submissions (5):

GeneDx
Classification: Likely pathogenic. Last evaluated: 2024-08-27. Review status: criteria provided, single submitter. Criteria: GeneDx Variant Classification Process June 2021. Collection method: clinical testing. Allele origin: germline. Affected: yes.
Comment: Reported in unrelated individuals who met Curacao criteria for a diagnosis of HHT (PMID: 15024723, 15712270, 32503579, 15517393); In-frame deletion of 1 amino acid in a non-repeat region; Not observed at significant frequency in large population cohorts (gnomAD); In silico analysis supports a deleterious effect on protein structure/function; This variant is associated with the following publications: (PMID: 16752392, 15517393, 15712270, 16705692, 15024723, 32503579)

Labcorp Genetics (formerly Invitae), Labcorp
Classification: Pathogenic for Hereditary hemorrhagic telangiectasia. Last evaluated: 2024-06-15. Review status: criteria provided, single submitter. Criteria: Invitae Variant Classification Sherloc (09022015). Collection method: clinical testing. Allele origin: germline.
Comment: This variant, c.787_789del, results in the deletion of 1 amino acid(s) of the ENG protein (p.Ile263del), but otherwise preserves the integrity of the reading frame. This variant is not present in population databases (gnomAD no frequency). This variant has been observed in individual(s) with hereditary hemorrhagic telangiectasia (PMID: 15024723, 15517393, 15712270, 16705692; Invitae). ClinVar contains an entry for this variant (Variation ID: 862246). Experimental studies and prediction algorithms are not available or were not evaluated, and the functional significance of this variant is currently unknown. For these reasons, this variant has been classified as Pathogenic.

PreventionGenetics, part of Exact Sciences
Classification: Pathogenic for ENG-related condition. Last evaluated: 2023-09-16. Review status: criteria provided, single submitter. Criteria: ACMG Guidelines, 2015. Collection method: clinical testing. Allele origin: germline.
Comment: The ENG c.787_789delATC variant is predicted to result in an in-frame deletion (p.Ile263del). This variant was reported in multiple individuals with hereditary hemorrhagic telangiectasia (Lesca et al. 2004. PubMed ID: 15024723; Letteboer et al. 2004. PubMed ID: 15517393; Kuehl et al. 2005. PubMed ID: 15712270; Table S1, Sánchez-Martínez et al. 2020. PubMed ID: 32503579). This variant has not been reported in a large population database, indicating this variant is rare. This variant is interpreted as pathogenic.

Blueprint Genetics
Classification: Likely pathogenic for ENG-related disorders. Last evaluated: 2022-01-18. Review status: criteria provided, single submitter. Criteria: ACMG Guidelines, 2015. Collection method: clinical testing. Allele origin: germline. Affected: yes. Observed: 3 variant alleles.

Ambry Genetics
Classification: Likely pathogenic for Cardiovascular phenotype. Last evaluated: 2021-06-04. Review status: criteria provided, single submitter. Criteria: Ambry Variant Classification Scheme 2023. Collection method: clinical testing. Allele origin: germline.
Comment: The c.787_789delATC variant (also known as p.I263del) is located in coding exon 6 of the ENG gene. This variant results from an in-frame ATC deletion at nucleotide positions 787 to 789. This results in the in-frame deletion of an isoleucine at codon 263. This variant has been detected in several unrelated probands reported to have hereditary hemorrhagic telangiectasia (Lesca G et a. Hum Mutat. 2004 Apr;23(4):289-99; Kuehl HK et al. Hum Mutat, 2005 Mar;25:320; Letteboer TG et al. Hum Genet, 2005 Jan;116:8-16; Lesca G et al. Hum Mutat, 2006 Jun;27:598; Bossler AD et al. Hum Mutat, 2006 Jul;27:667-75; S&aacute;nchez-Mart&iacute;nez R et al. Orphanet J Rare Dis, 2020 06;15:138). This variant is considered to be rare based on population cohorts in the Genome Aggregation Database (gnomAD). This amino acid position is highly conserved in available vertebrate species. In addition, this alteration is predicted to be deleterious by in silico analysis (Choi Y et al. PLoS ONE. 2012; 7(10):e46688). Based on the majority of available evidence to date, this variant is likely to be pathogenic.

Literature cited by the submitters: PubMed 15024723 (cited by Labcorp Genetics (formerly Invitae), Labcorp and Ambry Genetics); PubMed 15517393 (cited by Labcorp Genetics (formerly Invitae), Labcorp and Ambry Genetics); PubMed 15712270 (cited by Labcorp Genetics (formerly Invitae), Labcorp and Ambry Genetics); PubMed 16705692 (cited by Labcorp Genetics (formerly Invitae), Labcorp and Ambry Genetics); PubMed 16752392 (cited by Ambry Genetics); PubMed 32503579 (cited by Ambry Genetics).

NM_001114753.3(ENG):c.787_789del (p.Ile263del)

Gene: ENG (endoglin; minus strand). Cytogenetic location: 9q34.11.
Variant type: Deletion.
Coding change: c.787_789del on transcript NM_001114753.3 (MANE Select); coding-DNA positions 787 to 789, 3 bases deleted (ATC; older notation c.787_789delATC).
Protein change: p.Ile263del; deletes isoleucine 263.
Molecular consequence: inframe deletion. On other transcripts: inframe indel (2).
Genome position (GRCh38, 1-based): chr9:127,825,258-127,825,260, GAT deleted on the plus strand (ATC on the coding strand, the reverse complement: ENG is on the minus strand); deleting any 3 consecutive bases within chr9:127,825,258-127,825,262 gives the same sequence; the c. name uses the placement nearest the transcript's 3' end. VCF-style (leftmost placement, unchanged base first): chr9-127825257-CGAT-C. GRCh37 (hg19) VCF-style: chr9-130587536-CGAT-C.
Other names: c.787_789delATC (NM_000118.3); c.785_787delTCA, p.Ile263del (NM_000118.4, NM_001406715.1); c.241_243del, p.Ile81del (NM_001278138.2); c.787_789del (NM_000118.2); short protein forms I263del, I81del.
Identifiers: ClinVar variation 862246 (VCV000862246.17), dbSNP rs1830579035, ClinGen allele CA916081555.